The following is an entry in ClinVar:

NM_007294.4(BRCA1):c.2892A>G (p.Gly964=)

Gene: BRCA1 (BRCA1 DNA repair associated; minus strand). Cytogenetic location: 17q21.31.
Variant type: single nucleotide variant.
Coding change: c.2892A>G on transcript NM_007294.4 (MANE Select); coding-DNA position 2892, A replaced by G.
Protein change: p.Gly964=; no amino-acid change (glycine 964 retained).
Molecular consequence: synonymous variant. On other transcripts: intron variant (137).
Genome position (GRCh38, 1-based): chr17:43,092,639, T>C on the plus strand (A>G on the coding strand, the complement: BRCA1 is on the minus strand). VCF-style: chr17-43092639-T-C. GRCh37 (hg19) VCF-style: chr17-41244656-T-C.
Other names: c.647-1607A>G (NM_001408459.1, NM_001408458.1, NM_001408469.1 and 11 more transcripts); c.2751A>G, p.Gly917= (NM_001407694.1, NM_001407695.1, NM_001407698.1 and 29 more transcripts); c.584-1607A>G (NM_001408475.1); c.710-1607A>G (NM_001408412.1, NM_001408409.1, NM_001408414.1 and 2 more transcripts); c.452-1607A>G (NM_001408509.1, NM_001408508.1); c.575-1607A>G (NM_001408491.1, NM_001408493.1, NM_001408490.1); c.2769A>G, p.Gly923= (NM_001407937.1, NM_001407938.1, NM_001407939.1 and 19 more transcripts); c.2766A>G, p.Gly922= (NM_001407940.1, NM_001407941.1, NM_001407649.1 and 11 more transcripts); and 41 more.
Identifiers: ClinVar variation 415546 (VCV000415546.14), dbSNP rs1060504553, ClinGen allele CA16615358.

ClinVar aggregate classification (germline): Likely benign. Review status: criteria provided, multiple submitters, no conflicts (2 of 4 stars). 3 submissions from 3 submitters: Likely benign (3). Last evaluated 2024-05-21.

Conditions:
Hereditary breast ovarian cancer syndrome. Also called: Breast and ovarian cancer; Hereditary breast and ovarian cancer; Hereditary breast and/or ovarian cancer syndrome; BRCA1- and BRCA2-Associated Hereditary Breast and Ovarian Cancer; Hereditary breast and ovarian cancer syndrome (HBOC); Hereditary breast and ovarian cancer syndrome. Identifiers: Orphanet 145, MedGen C0677776, MeSH D061325, MONDO:0003582. Disease mechanism: loss of function.
Hereditary cancer-predisposing syndrome. Also called: Tumor predisposition; Neoplastic Syndromes, Hereditary; Hereditary neoplastic syndrome; Hereditary Cancer Syndrome. Identifiers: Orphanet 140162, MedGen C0027672, MeSH D009386, MONDO:0015356.

Allele frequency attached by ClinVar (database versions not stated): gnomAD exomes below 0.00001.
gnomAD v4.1: 1 of 1,614,076 alleles (0.000062%); highest among the groups gnomAD compares: Non-Finnish European, 0.000085%; no homozygotes.

Submissions (3):

Labcorp Genetics (formerly Invitae), Labcorp
Classification: Likely benign for Hereditary breast ovarian cancer syndrome. Last evaluated: 2024-05-21. Review status: criteria provided, single submitter. Criteria: Invitae Variant Classification Sherloc (09022015). Collection method: clinical testing. Allele origin: germline.

Ambry Genetics
Classification: Likely benign for Hereditary cancer-predisposing syndrome. Last evaluated: 2019-06-29. Review status: criteria provided, single submitter. Criteria: Ambry Variant Classification Scheme 2023. Collection method: clinical testing. Allele origin: germline.

GeneDx
Classification: Likely benign. Last evaluated: 2017-03-20. Review status: criteria provided, single submitter. Criteria: GeneDx Variant Classification (06012015). Collection method: clinical testing. Allele origin: germline. Affected: yes.
Comment: This variant is considered likely benign or benign based on one or more of the following criteria: it is a conservative change, it occurs at a poorly conserved position in the protein, it is predicted to be benign by multiple in silico algorithms, and/or has population frequency not consistent with disease.